The following is an entry in ClinVar:

ClinVar aggregate classification (germline): Likely benign. Review status: criteria provided, single submitter (1 of 4 stars). 2 submissions from 2 submitters: Likely benign (1). 1 of the submissions does not count toward it. Last evaluated 2024-10-08.

Conditions:
DAAM2-related disorder. Also called: DAAM2-related condition.

Allele frequency attached by ClinVar (database versions not stated): gnomAD 0.00062; ExAC 0.00110; 1000 Genomes Project 0.00300; 1000 Genomes Project 30x 0.00359.
gnomAD v4.1: 511 of 1,518,342 alleles (0.034%); highest among the groups gnomAD compares: East Asian, 0.69%; 8 homozygotes.

Submissions (2):

Blueprint Genetics
Classification: Likely benign. Last evaluated: 2024-10-08. Review status: criteria provided, single submitter. Criteria: ACMG Guidelines, 2015. Collection method: clinical testing. Allele origin: germline.

PreventionGenetics, part of Exact Sciences
Classification: Benign for DAAM2-related condition. Last evaluated: 2019-08-16. Review status: no assertion criteria provided. Collection method: clinical testing. Allele origin: germline. Not counted in ClinVar's aggregate classification.
Comment: This variant is classified as benign based on ACMG/AMP sequence variant interpretation guidelines (Richards et al. 2015 PMID: 25741868, with internal and published modifications).

NM_001201427.2(DAAM2):c.2983-9C>T

Gene: DAAM2 (dishevelled associated activator of morphogenesis 2; plus strand). Cytogenetic location: 6p21.2.
Variant type: single nucleotide variant.
Coding change: c.2983-9C>T on transcript NM_001201427.2 (MANE Select); 9 bases into the intron before coding-DNA position 2983, C replaced by T.
Molecular consequence: intron variant.
Genome position (GRCh38, 1-based): chr6:39,901,804, C>T. VCF-style: chr6-39901804-C-T. GRCh37 (hg19) VCF-style: chr6-39869580-C-T.
Other names: c.2980-9C>T (NM_015345.4).
Identifiers: ClinVar variation 3035297 (VCV003035297.3), dbSNP rs117243886, ClinGen allele CA3795504.
Genomic context (GRCh38, chr6:39,901,804, plus strand): 5'-GTTGGGGGGCTGCCCTGGCCTCAGCGCCTCTCCCTGAGAGGGTTCCTATCTTTGGCCCCC[C>T]GCCCGCAGCTGAAGGAGCAGAGGGAACGTGAGCGGTGGCAGCGGCAGCGGAAGGTCCTGG-3'